The following is an entry in ClinVar:

NM_002972.4(SBF1):c.1570A>T (p.Met524Leu)

Gene: SBF1 (SET binding factor 1; minus strand). Cytogenetic location: 22q13.33.
Variant type: single nucleotide variant.
Coding change: c.1570A>T on transcript NM_002972.4 (MANE Select); coding-DNA position 1570, A replaced by T.
Protein change: p.Met524Leu; replaces methionine 524 with leucine.
Molecular consequence: missense variant.
Genome position (GRCh38, 1-based): chr22:50,464,600, T>A on the plus strand (A>T on the coding strand, the complement: SBF1 is on the minus strand). VCF-style: chr22-50464600-T-A. GRCh37 (hg19) VCF-style: chr22-50903029-T-A.
Other names: p.Met524Leu; c.1573A>T, p.Met525Leu (NM_001365819.1); short protein forms M524L, M525L.
Identifiers: ClinVar variation 710169 (VCV000710169.22), dbSNP rs149528827, ClinGen allele CA10317613.

ClinVar aggregate classification (germline): Benign/Likely benign. Review status: criteria provided, multiple submitters, no conflicts (2 of 4 stars). 5 submissions from 5 submitters: Benign (3); Likely benign (2). Last evaluated 2026-01-27.

Conditions:
Charcot-Marie-Tooth disease type 4B3. Also called: CHARCOT-MARIE-TOOTH DISEASE, DEMYELINATING, TYPE 4B3; Charcot-Marie-Tooth Neuropathy Type 4B3. Identifiers: Orphanet 363981, MedGen C3695063, MONDO:0014117, OMIM 615284.

Allele frequency attached by ClinVar (database versions not stated): gnomAD exomes 0.00075 and 0.00190; ExAC 0.00222; ESP Exome Variant Server 0.00697; gnomAD 0.00775 and 0.00850; 1000 Genomes Project 0.00779; 1000 Genomes Project 30x 0.00843; TOPMed 0.00881.
gnomAD v4.1: 2,320 of 1,611,904 alleles (0.14%); highest among the groups gnomAD compares: African/African-American, 2.7%; 28 homozygotes.

Submissions (5):

Labcorp Genetics (formerly Invitae), Labcorp
Classification: Benign. Last evaluated: 2026-01-27. Review status: criteria provided, single submitter. Criteria: Invitae Variant Classification Sherloc (09022015). Collection method: clinical testing. Allele origin: germline.

GeneDx
Classification: Likely benign. Last evaluated: 2023-02-12. Review status: criteria provided, single submitter. Criteria: GeneDx Variant Classification Process June 2021. Collection method: clinical testing. Allele origin: germline. Affected: yes.
Comment: See Variant Classification Assertion Criteria.

ARUP Laboratories, Molecular Genetics and Genomics, ARUP Laboratories
Classification: Benign for Charcot-Marie-Tooth disease type 4B3. Last evaluated: 2020-04-17. Review status: criteria provided, single submitter. Criteria: ARUP Molecular Germline Variant Investigation Process. Collection method: clinical testing. Allele origin: germline.

Mayo Clinic Laboratories, Mayo Clinic
Classification: Benign. Last evaluated: 2020-03-11. Review status: criteria provided, single submitter. Criteria: ACMG Guidelines, 2015. Collection method: clinical testing. Allele origin: germline. Observed: 7 variant alleles.

Breakthrough Genomics
Classification: Likely benign. Review status: criteria provided, single submitter. Criteria: ACMG Guidelines, 2015. Collection method: not provided. Allele origin: germline. Inheritance: Autosomal recessive inheritance. Affected: yes.